The following is an entry in ClinVar:

NM_001130823.3(DNMT1):c.3534C>A (p.Asp1178Glu)

Gene: DNMT1 (DNA methyltransferase 1; minus strand). Cytogenetic location: 19p13.2.
Variant type: single nucleotide variant.
Coding change: c.3534C>A on transcript NM_001130823.3 (MANE Select); coding-DNA position 3534, C replaced by A.
Protein change: p.Asp1178Glu; replaces aspartic acid 1178 with glutamic acid.
Molecular consequence: missense variant.
Genome position (GRCh38, 1-based): chr19:10,140,318, G>T on the plus strand (C>A on the coding strand, the complement: DNMT1 is on the minus strand). VCF-style: chr19-10140318-G-T. GRCh37 (hg19) VCF-style: chr19-10250994-G-T.
Other names: c.3486C>A, p.Asp1162Glu (NM_001318730.2, NM_001379.4); c.3171C>A, p.Asp1057Glu (NM_001318731.2); short protein forms D1162E, D1178E, D1057E.
Identifiers: ClinVar variation 848423 (VCV000848423.9), dbSNP rs1345421531, ClinGen allele CA403973276.

ClinVar aggregate classification (germline): Uncertain significance (1 of 4 stars; one submission).

Conditions:
Hereditary sensory neuropathy-deafness-dementia syndrome. Also called: Hereditary sensory neuropathy type IE; NEUROPATHY, HEREDITARY SENSORY, WITH HEARING LOSS AND DEMENTIA; Hereditary Sensory and Autonomic Neuropathy Type 1E (HSAN1E); HSN IE. Identifiers: Orphanet 456318, MedGen C3279885, MONDO:0013584, OMIM 614116.

Allele frequency attached by ClinVar (database versions not stated): gnomAD exomes below 0.00001; gnomAD 0.00001; TOPMed 0.00001.
gnomAD v4.1: 4 of 1,613,664 alleles (0.00025%); highest among the groups gnomAD compares: Admixed American, 0.0017%; no homozygotes.

Submission:

Labcorp Genetics (formerly Invitae), Labcorp
Classification: Uncertain significance for Hereditary sensory neuropathy-deafness-dementia syndrome. Last evaluated: 2019-11-19. Review status: criteria provided, single submitter. Criteria: Invitae Variant Classification Sherloc (09022015). Collection method: clinical testing. Allele origin: germline.
Comment: In summary, the available evidence is currently insufficient to determine the role of this variant in disease. Therefore, it has been classified as a Variant of Uncertain Significance. Algorithms developed to predict the effect of missense changes on protein structure and function output the following: SIFT: "Tolerated"; PolyPhen-2: "Benign"; Align-GVGD: "Class C0". The glutamic acid amino acid residue is found in multiple mammalian species, suggesting that this missense change does not adversely affect protein function. These predictions have not been confirmed by published functional studies and their clinical significance is uncertain. This sequence change replaces aspartic acid with glutamic acid at codon 1178 of the DNMT1 protein (p.Asp1178Glu). The aspartic acid residue is weakly conserved and there is a small physicochemical difference between aspartic acid and glutamic acid. This variant is not present in population databases (ExAC no frequency). This variant has not been reported in the literature in individuals with DNMT1-related conditions.